The following is an entry in ClinVar:

ClinVar aggregate classification (germline): Uncertain significance. Review status: criteria provided, multiple submitters, no conflicts (2 of 4 stars). 3 submissions from 3 submitters: Uncertain significance (3). Last evaluated 2022-09-15.

Conditions:
Mitochondrial complex I deficiency, nuclear type 5. Also called: Mitochondrial complex 1 deficiency, nuclear type 5. Identifiers: MedGen C4748754, MONDO:0032610, OMIM 618226.

Allele frequency attached by ClinVar (database versions not stated): gnomAD 0.00001 and 0.00002; ExAC 0.00002; TOPMed 0.00002; gnomAD exomes 0.00003 and 0.00005.

Submissions (3):

GeneDx
Classification: Uncertain significance. Last evaluated: 2022-09-15. Review status: criteria provided, single submitter. Criteria: GeneDx Variant Classification Process June 2021. Collection method: clinical testing. Allele origin: germline. Affected: yes.
Comment: In silico analysis suggests that this missense variant does not alter protein structure/function, but splice predictors indicate that it may lead to abnormal gene splicing; Has not been previously published as pathogenic or benign to our knowledge

Labcorp Genetics (formerly Invitae), Labcorp
Classification: Uncertain significance. Last evaluated: 2022-06-05. Review status: criteria provided, single submitter. Criteria: Invitae Variant Classification Sherloc (09022015). Collection method: clinical testing. Allele origin: germline.
Comment: This variant is present in population databases (rs779439150, gnomAD 0.04%). In summary, the available evidence is currently insufficient to determine the role of this variant in disease. Therefore, it has been classified as a Variant of Uncertain Significance. Algorithms developed to predict the effect of sequence changes on RNA splicing suggest that this variant may disrupt the consensus splice site. Algorithms developed to predict the effect of missense changes on protein structure and function (SIFT, PolyPhen-2, Align-GVGD) all suggest that this variant is likely to be disruptive. ClinVar contains an entry for this variant (Variation ID: 1430530). This variant has not been reported in the literature in individuals affected with NDUFS1-related conditions. This sequence change replaces isoleucine, which is neutral and non-polar, with valine, which is neutral and non-polar, at codon 391 of the NDUFS1 protein (p.Ile391Val).

Juno Genomics, Hangzhou Juno Genomics, Inc
Classification: Uncertain significance for Mitochondrial complex I deficiency, nuclear type 5. Review status: criteria provided, single submitter. Criteria: ACMG Guidelines, 2015. Collection method: clinical testing. Allele origin: germline.
Comment: Absent from controls (or at extremely low frequency if recessive) in Genome Aggregation Database.;Multiple lines of computational evidence support a deleterious effect on the gene or gene product.

NM_005006.7(NDUFS1):c.1171A>G (p.Ile391Val)

Gene: NDUFS1 (NADH:ubiquinone oxidoreductase core subunit S1; minus strand). Cytogenetic location: 2q33.3.
Variant type: single nucleotide variant.
Coding change: c.1171A>G on transcript NM_005006.7 (MANE Select); coding-DNA position 1171, A replaced by G.
Protein change: p.Ile391Val; replaces isoleucine 391 with valine.
Molecular consequence: missense variant.
Genome position (GRCh38, 1-based): chr2:206,142,032, T>C on the plus strand (A>G on the coding strand, the complement: NDUFS1 is on the minus strand). VCF-style: chr2-206142032-T-C. GRCh37 (hg19) VCF-style: chr2-207006756-T-C.
Other names: c.1063A>G, p.Ile355Val (NM_001199981.2); c.838A>G, p.Ile280Val (NM_001199982.2); c.1000A>G, p.Ile334Val (NM_001199983.2); c.1213A>G, p.Ile405Val (NM_001199984.2); short protein forms I280V, I334V, I391V, I405V, I355V.
Identifiers: ClinVar variation 1430530 (VCV001430530.9), dbSNP rs779439150, ClinGen allele CA2070533.